The following is an entry in ClinVar:

NM_001370259.2(MEN1):c.234del (p.Val80fs)

Gene: MEN1 (menin 1; minus strand). Cytogenetic location: 11q13.1.
Variant type: Deletion.
Coding change: c.234del on transcript NM_001370259.2 (MANE Select); coding-DNA position 234, one base deleted (T; older notation c.234delT).
Protein change: p.Val80fs; shifts the reading frame from valine 80.
Molecular consequence: frameshift variant.
Genome position (GRCh38, 1-based): chr11:64,809,876, A deleted on the plus strand (T on the coding strand, the reverse complement: MEN1 is on the minus strand); the first of 3 consecutive A bases (chr11:64,809,876-64,809,878); deleting any one gives the same sequence. VCF-style (leftmost placement, unchanged base first): chr11-64809875-GA-G. GRCh37 (hg19) VCF-style: chr11-64577347-GA-G.
Other names: c.234del, p.Val80fs (NM_000244.4, NM_001370251.2, NM_001370260.2 and 9 more transcripts); c.234delT (NM_130799.2); short protein forms V80fs.
Identifiers: ClinVar variation 1389818 (VCV001389818.10), dbSNP rs2136188431, ClinGen allele CA2573051269.

ClinVar aggregate classification (germline): Pathogenic. Review status: criteria provided, multiple submitters, no conflicts (2 of 4 stars). 2 submissions from 2 submitters: Pathogenic (2). Last evaluated 2025-12-17.

Conditions:
Multiple endocrine neoplasia, type 1 (MEN1). Also called: MEN I; WERMER SYNDROME; Endocrine adenomatosis multiple; MEN 1; MEA I. Identifiers: Orphanet 652, MedGen C0025267, MeSH D018761, MONDO:0007540, OMIM 131100.
Hereditary cancer-predisposing syndrome. Also called: Hereditary neoplastic syndrome; Tumor predisposition; Neoplastic Syndromes, Hereditary; Hereditary Cancer Syndrome. Identifiers: Orphanet 140162, MedGen C0027672, MeSH D009386, MONDO:0015356.

Submissions (2):

Ambry Genetics
Classification: Pathogenic for Hereditary cancer-predisposing syndrome. Last evaluated: 2025-12-17. Review status: criteria provided, single submitter. Criteria: Ambry Variant Classification Scheme 2023. Collection method: clinical testing. Allele origin: germline.
Comment: The c.234delT pathogenic mutation, located in coding exon 1 of the MEN1 gene, results from a deletion of one nucleotide at nucleotide position 234, causing a translational frameshift with a predicted alternate stop codon (p.V80Wfs*39). This variant was reported in individual(s) with features consistent with multiple endocrine neoplasia type 1 (Ambry internal data). This variant is considered to be rare based on population cohorts in the Genome Aggregation Database (gnomAD). This alteration is expected to result in loss of function by premature protein truncation or nonsense-mediated mRNA decay. As such, this alteration is interpreted as a disease-causing mutation.

Labcorp Genetics (formerly Invitae), Labcorp
Classification: Pathogenic for Multiple endocrine neoplasia, type 1. Last evaluated: 2021-03-24. Review status: criteria provided, single submitter. Criteria: Invitae Variant Classification Sherloc (09022015). Collection method: clinical testing. Allele origin: germline.
Comment: This sequence change creates a premature translational stop signal (p.Val80Trpfs*39) in the MEN1 gene. It is expected to result in an absent or disrupted protein product. Loss-of-function variants in MEN1 are known to be pathogenic (PMID: 12112656, 17853334). This variant is not present in population databases (ExAC no frequency). For these reasons, this variant has been classified as Pathogenic. This frameshift change has been observed in individual(s) with clinical features of multiple endocrine neoplasia type 1 (PMID: 12108687).

Literature cited by the submitters: PubMed 12112656 (cited by Labcorp Genetics (formerly Invitae), Labcorp); PubMed 17853334 (cited by Labcorp Genetics (formerly Invitae), Labcorp); PubMed 12108687 (cited by Labcorp Genetics (formerly Invitae), Labcorp).